The following is an entry in ClinVar:

ClinVar aggregate classification (germline): Uncertain significance (1 of 4 stars; one submission).

Conditions:
Fanconi anemia complementation group J. Also called: BRIP1-Related Fanconi Anemia. Identifiers: Orphanet 84, MedGen C1836860, MONDO:0012187, OMIM 609054.
Familial cancer of breast. Also called: BREAST CANCER, FAMILIAL; Hereditary breast cancer; hereditary breast carcinoma. Identifiers: Orphanet 227535, MedGen C0346153, MONDO:0016419, OMIM 114480. Disease mechanism: loss of function.

Submission:

Labcorp Genetics (formerly Invitae), Labcorp
Classification: Uncertain significance for Familial cancer of breast; Fanconi anemia complementation group J. Last evaluated: 2024-04-10. Review status: criteria provided, single submitter. Criteria: Invitae Variant Classification Sherloc (09022015). Collection method: clinical testing. Allele origin: germline.
Comment: This sequence change replaces leucine, which is neutral and non-polar, with phenylalanine, which is neutral and non-polar, at codon 570 of the BRIP1 protein (p.Leu570Phe). This variant is not present in population databases (gnomAD no frequency). This variant has not been reported in the literature in individuals affected with BRIP1-related conditions. ClinVar contains an entry for this variant (Variation ID: 1437490). Advanced modeling of protein sequence and biophysical properties (such as structural, functional, and spatial information, amino acid conservation, physicochemical variation, residue mobility, and thermodynamic stability) performed at Invitae indicates that this missense variant is not expected to disrupt BRIP1 protein function with a negative predictive value of 80%. In summary, the available evidence is currently insufficient to determine the role of this variant in disease. Therefore, it has been classified as a Variant of Uncertain Significance.

NM_032043.3(BRIP1):c.1710G>C (p.Leu570Phe)

Gene: BRIP1 (BRCA1 interacting DNA helicase 1; minus strand). Cytogenetic location: 17q23.2.
Variant type: single nucleotide variant.
Coding change: c.1710G>C on transcript NM_032043.3 (MANE Select); coding-DNA position 1710, G replaced by C.
Protein change: p.Leu570Phe; replaces leucine 570 with phenylalanine.
Molecular consequence: missense variant.
Genome position (GRCh38, 1-based): chr17:61,780,924, C>G on the plus strand (G>C on the coding strand, the complement: BRIP1 is on the minus strand). VCF-style: chr17-61780924-C-G. GRCh37 (hg19) VCF-style: chr17-59858285-C-G.
Other names: short protein forms L570F.
Identifiers: ClinVar variation 1437490 (VCV001437490.7), dbSNP rs370087045, ClinGen allele CA400480413.
Genomic context (GRCh38, chr17:61,780,924, plus strand): 5'-GTTTAGCACATGAACTGCAGTTTTCTGTCGTGAACGTTTCTTATTTTTTGGTAGAACCAA[C>G]AACCCATTTTTGTCTGAAATATCAATCTGATTTGTCCAGGAGTAAGTCTGTTGAATCGCA-3'
Protein context (NP_114432.2, residues 560-580): NQIDISDKNG[Leu570Phe]LVLPKNKKRS